The following is an entry in ClinVar:

NM_024009.3(GJB3):c.177C>A (p.Gly59=)

Gene: GJB3 (gap junction protein beta 3; plus strand). Cytogenetic location: 1p34.3.
Variant type: single nucleotide variant.
Coding change: c.177C>A on transcript NM_024009.3 (MANE Select); coding-DNA position 177, C replaced by A.
Protein change: p.Gly59=; no amino-acid change (glycine 59 retained).
Molecular consequence: synonymous variant.
Genome position (GRCh38, 1-based): chr1:34,784,939, C>A. VCF-style: chr1-34784939-C-A. GRCh37 (hg19) VCF-style: chr1-35250540-C-A.
Other names: c.177C>A, p.Gly59= (NM_001005752.2).
Identifiers: ClinVar variation 1204989 (VCV001204989.9), dbSNP rs780675578, ClinGen allele CA754770.

ClinVar aggregate classification (germline): Likely benign. Review status: criteria provided, multiple submitters, no conflicts (2 of 4 stars). 4 submissions from 4 submitters: Likely benign (4). Last evaluated 2026-04-15.

Allele frequency attached by ClinVar (database versions not stated): gnomAD exomes 0.00003 and 0.00004; ExAC 0.00004; gnomAD 0.00005; TOPMed 0.00010.
gnomAD v4.1: 59 of 1,614,116 alleles (0.0037%); highest among the groups gnomAD compares: Admixed American, 0.0083%; no homozygotes.

Submissions (4):

Women's Health and Genetics/Laboratory Corporation of America, LabCorp
Classification: Likely benign. Last evaluated: 2026-04-15. Review status: criteria provided, single submitter. Criteria: LabCorp Variant Classification Summary - May 2015. Collection method: clinical testing. Allele origin: germline.

CeGaT Center for Human Genetics Tuebingen
Classification: Likely benign. Last evaluated: 2026-04-01. Review status: criteria provided, single submitter. Criteria: CeGaT Center For Human Genetics Tuebingen Variant Classification Criteria Version 2. Collection method: clinical testing. Allele origin: germline. Affected: yes. Observed: 1 variant allele.
Comment: GJB3: BP4, BP7

Labcorp Genetics (formerly Invitae), Labcorp
Classification: Likely benign. Last evaluated: 2024-10-30. Review status: criteria provided, single submitter. Criteria: Invitae Variant Classification Sherloc (09022015). Collection method: clinical testing. Allele origin: germline.

GeneDx
Classification: Likely benign. Last evaluated: 2020-11-17. Review status: criteria provided, single submitter. Criteria: GeneDx Variant Classification Process June 2021. Collection method: clinical testing. Allele origin: germline. Affected: yes.